The following is an entry in ClinVar:

ClinVar aggregate classification (germline): Uncertain significance (1 of 4 stars; one submission).

Allele frequency attached by ClinVar (database versions not stated): gnomAD exomes below 0.00001; gnomAD 0.00001; TOPMed 0.00001.

Submission:

Labcorp Genetics (formerly Invitae), Labcorp
Classification: Uncertain significance. Last evaluated: 2023-02-21. Review status: criteria provided, single submitter. Criteria: Invitae Variant Classification Sherloc (09022015). Collection method: clinical testing. Allele origin: germline.
Comment: In summary, the available evidence is currently insufficient to determine the role of this variant in disease. Therefore, it has been classified as a Variant of Uncertain Significance. This variant is not present in population databases (gnomAD no frequency). This variant has not been reported in the literature in individuals affected with SUCO-related conditions. Algorithms developed to predict the effect of missense changes on protein structure and function output the following: SIFT: "Not Available"; PolyPhen-2: "Benign"; Align-GVGD: "Not Available". The valine amino acid residue is found in multiple mammalian species, which suggests that this missense change does not adversely affect protein function. This sequence change replaces isoleucine, which is neutral and non-polar, with valine, which is neutral and non-polar, at codon 828 of the SUCO protein (p.Ile828Val).

NM_014283.5(SUCO):c.2482A>G (p.Ile828Val)

Gene: SUCO (SUN domain containing ossification factor; plus strand). Cytogenetic location: 1q24.3.
Variant type: single nucleotide variant.
Coding change: c.2482A>G on transcript NM_014283.5 (MANE Select); coding-DNA position 2482, A replaced by G.
Protein change: p.Ile828Val; replaces isoleucine 828 with valine.
Molecular consequence: missense variant. On other transcripts: intron variant (1).
Genome position (GRCh38, 1-based): chr1:172,589,583, A>G. VCF-style: chr1-172589583-A-G. GRCh37 (hg19) VCF-style: chr1-172558723-A-G.
Other names: c.793A>G, p.Ile265Val (NM_001282751.2); c.2935A>G, p.Ile979Val (NM_016227.4); c.1712+659A>G (NM_001282750.2); short protein forms I265V, I828V, I979V.
Identifiers: ClinVar variation 2914827 (VCV002914827.3), dbSNP rs1279705533, ClinGen allele CA343744316.